The following is an entry in ClinVar:

NM_000271.5(NPC1):c.925A>G (p.Ile309Val)

Gene: NPC1 (NPC intracellular cholesterol transporter 1; minus strand). Cytogenetic location: 18q11.2.
Variant type: single nucleotide variant.
Coding change: c.925A>G on transcript NM_000271.5 (MANE Select); coding-DNA position 925, A replaced by G.
Protein change: p.Ile309Val; replaces isoleucine 309 with valine.
Molecular consequence: missense variant.
Genome position (GRCh38, 1-based): chr18:23,557,147, T>C on the plus strand (A>G on the coding strand, the complement: NPC1 is on the minus strand). VCF-style: chr18-23557147-T-C. GRCh37 (hg19) VCF-style: chr18-21137111-T-C.
Other names: short protein forms I309V.
Identifiers: ClinVar variation 2420453 (VCV002420453.6), dbSNP rs369056010, ClinGen allele CA297070140.

ClinVar aggregate classification (germline): Uncertain significance (1 of 4 stars; one submission).

Conditions:
Niemann-Pick disease, type C1. Also called: NIEMANN-PICK DISEASE, VARIANT TYPE C1; NEUROVISCERAL STORAGE DISEASE WITH VERTICAL SUPRANUCLEAR OPHTHALMOPLEGIA; NIEMANN-PICK DISEASE WITH CHOLESTEROL ESTERIFICATION BLOCK; NIEMANN-PICK DISEASE WITHOUT SPHINGOMYELINASE DEFICIENCY; NIEMANN-PICK DISEASE, CHRONIC NEURONOPATHIC FORM. Identifiers: Orphanet 646, MedGen C3179455, MONDO:0009757, OMIM 257220.

gnomAD v4.1: 3 of 1,613,852 alleles (0.00019%); highest among the groups gnomAD compares: Non-Finnish European, 0.00017%; no homozygotes.

Submission:

Labcorp Genetics (formerly Invitae), Labcorp
Classification: Uncertain significance for Niemann-Pick disease, type C1. Last evaluated: 2022-07-11. Review status: criteria provided, single submitter. Criteria: Invitae Variant Classification Sherloc (09022015). Collection method: clinical testing. Allele origin: germline.
Comment: In summary, the available evidence is currently insufficient to determine the role of this variant in disease. Therefore, it has been classified as a Variant of Uncertain Significance. Advanced modeling of protein sequence and biophysical properties (such as structural, functional, and spatial information, amino acid conservation, physicochemical variation, residue mobility, and thermodynamic stability) performed at Invitae indicates that this missense variant is not expected to disrupt NPC1 protein function. This variant has not been reported in the literature in individuals affected with NPC1-related conditions. This variant is not present in population databases (gnomAD no frequency). This sequence change replaces isoleucine, which is neutral and non-polar, with valine, which is neutral and non-polar, at codon 309 of the NPC1 protein (p.Ile309Val).